The following is an entry in ClinVar:

ClinVar aggregate classification (germline): Uncertain significance (1 of 4 stars; one submission).

Conditions:
Hypertrophic cardiomyopathy. Also called: HYPERTROPHIC MYOCARDIOPATHY. Identifiers: Orphanet 217569, MedGen C0007194, MeSH D002312, MONDO:0005045, HP:0001639.

Submission:

All of Us Research Program, National Institutes of Health
Classification: Uncertain significance for Hypertrophic cardiomyopathy. Last evaluated: 2024-08-06. Review status: criteria provided, single submitter. Criteria: ACMG Guidelines, 2015. Collection method: clinical testing. Allele origin: germline. Inheritance: Autosomal dominant inheritance. Observed: 2 variant alleles, 2 heterozygotes.
Comment: This study involves interpretation of variants in research participants for the purpose of population health screening. Participant phenotype was not available at the time of variant classification. Additional details can be found in publication PMID: 35346344, PMCID: PMC8962531

NM_000363.5(TNNI3):c.98C>G (p.Pro33Arg)

Gene: TNNI3 (troponin I3, cardiac type; minus strand). Cytogenetic location: 19q13.42.
Variant type: single nucleotide variant.
Coding change: c.98C>G on transcript NM_000363.5 (MANE Select); coding-DNA position 98, C replaced by G.
Protein change: p.Pro33Arg; replaces proline 33 with arginine.
Molecular consequence: missense variant.
Genome position (GRCh38, 1-based): chr19:55,157,060, G>C on the plus strand (C>G on the coding strand, the complement: TNNI3 is on the minus strand). VCF-style: chr19-55157060-G-C. GRCh37 (hg19) VCF-style: chr19-55668428-G-C.
Other names: short protein forms P33R.
Identifiers: ClinVar variation 3069474 (VCV003069474.2), dbSNP rs2147285907, ClinGen allele CA407442875.